The following is an entry in ClinVar:

NM_000136.3(FANCC):c.253G>A (p.Glu85Lys)

Gene: FANCC (FA complementation group C; minus strand). Cytogenetic location: 9q22.32.
Variant type: single nucleotide variant.
Coding change: c.253G>A on transcript NM_000136.3 (MANE Select); coding-DNA position 253, G replaced by A.
Protein change: p.Glu85Lys; replaces glutamic acid 85 with lysine.
Molecular consequence: missense variant.
Genome position (GRCh38, 1-based): chr9:95,240,741, C>T on the plus strand (G>A on the coding strand, the complement: FANCC is on the minus strand). VCF-style: chr9-95240741-C-T. GRCh37 (hg19) VCF-style: chr9-98003023-C-T.
Other names: c.253G>A, p.Glu85Lys (NM_001243743.2, NM_001243744.2); short protein forms E85K.
Identifiers: ClinVar variation 1792806 (VCV001792806.3), dbSNP rs2542757447, ClinGen allele CA374339518.

ClinVar aggregate classification (germline): Uncertain significance (1 of 4 stars; one submission).

Conditions:
Hereditary cancer-predisposing syndrome. Also called: Tumor predisposition; Hereditary Cancer Syndrome; Neoplastic Syndromes, Hereditary; Hereditary neoplastic syndrome. Identifiers: Orphanet 140162, MedGen C0027672, MeSH D009386, MONDO:0015356.

Submission:

Ambry Genetics
Classification: Uncertain significance for Hereditary cancer-predisposing syndrome. Last evaluated: 2024-05-10. Review status: criteria provided, single submitter. Criteria: Ambry Variant Classification Scheme 2023. Collection method: clinical testing. Allele origin: germline.
Comment: The p.E85K variant (also known as c.253G>A), located in coding exon 3 of the FANCC gene, results from a G to A substitution at nucleotide position 253. The glutamic acid at codon 85 is replaced by lysine, an amino acid with similar properties. This amino acid position is conserved. In addition, this alteration is predicted to be deleterious by in silico analysis. Since supporting evidence is limited at this time, the clinical significance of this alteration remains unclear.